The following is an entry in ClinVar:

NM_002016.2(FLG):c.5392C>T (p.Arg1798Ter)

Genes: FLG (filaggrin; minus strand), CCDST (cervical cancer associated DHX9 suppressive transcript; plus strand). Cytogenetic location: 1q21.3.
Variant type: single nucleotide variant.
Coding change: c.5392C>T on transcript NM_002016.2 (MANE Select); coding-DNA position 5392, C replaced by T.
Protein change: p.Arg1798Ter; replaces arginine 1798 with a stop codon.
Molecular consequence: nonsense.
Genome position (GRCh38, 1-based): chr1:152,309,494, G>A on the plus strand (C>T on the coding strand, the complement: FLG is on the minus strand). VCF-style: chr1-152309494-G-A. GRCh37 (hg19) VCF-style: chr1-152281970-G-A.
Other names: short protein forms R1798*.
Identifiers: ClinVar variation 423737 (VCV000423737.12), dbSNP rs149105551, ClinGen allele CA1105786.
Genomic context (GRCh38, chr1:152,309,494, plus strand): 5'-CTGGGTGTCCACGAATGGTGTCCTGACCCTCTTGGGACGCTGAGTGCCTGGAGCTGTCTC[G>A]TGCCTGCTCGTGGCGGGATCTTTGTCTTCCTCCAGTGCTGGGCCCTGTGCGTCCATGGGC-3'

ClinVar aggregate classification (germline): Pathogenic/Likely pathogenic. Review status: criteria provided, multiple submitters, no conflicts (2 of 4 stars). 3 submissions from 3 submitters: Pathogenic (2); Likely pathogenic (1). Last evaluated 2025-09-30.

Conditions:
Inborn genetic diseases. Identifiers: MedGen C0950123, MeSH D030342.
Ichthyosis vulgaris. Also called: ICHTHYOSIS SIMPLEX; Dominant ichthyosis vulgaris. Identifiers: MedGen C0079584, MONDO:0024304, OMIM 146700.

Allele frequency attached by ClinVar (database versions not stated): TOPMed 0.00013.
gnomAD v4.1: 242 of 1,613,748 alleles (0.015%); highest among the groups gnomAD compares: South Asian, 0.038%; 2 homozygotes.

Submissions (3):

GeneDx
Classification: Pathogenic. Last evaluated: 2025-09-30. Review status: criteria provided, single submitter. Criteria: GeneDx Variant Classification Process June 2021. Collection method: clinical testing. Allele origin: germline. Affected: yes.
Comment: Observed in individuals with atopic eczema or dermatitis reported in the published literature (PMID: 21289640, 32066784); Nonsense variant predicted to result in protein truncation, as the last 2264 amino acid(s) are lost, and other loss-of-function variants have been reported downstream in HGMD; This variant is associated with the following publications: (PMID: 32066784, 31589614, 21289640, 16444271)

3billion
Classification: Likely pathogenic for Ichthyosis vulgaris. Last evaluated: 2025-03-10. Review status: criteria provided, single submitter. Criteria: ACMG Guidelines, 2015. Collection method: clinical testing. Allele origin: germline. Affected: yes.

Ambry Genetics
Classification: Pathogenic for Inborn genetic diseases. Last evaluated: 2025-01-23. Review status: criteria provided, single submitter. Criteria: Ambry Variant Classification Scheme 2023. Collection method: clinical testing. Allele origin: germline.
Comment: The c.5392C>T (p.R1798*) alteration, located in exon 3 (coding exon 2) of the FLG gene, consists of a C to T substitution at nucleotide position 5392. This changes the amino acid from a arginine (R) to a stop codon at amino acid position 1798. This variant is not expected to trigger nonsense-mediated mRNA decay, and impacts the last 55.7% of the protein. However, premature stop codons are typically deleterious in nature and the impacted region is critical for protein function (Ambry internal data). Based on data from gnomAD, the T allele has an overall frequency of 0.013% (38/282772) total alleles studied. This variant has been reported in the heterozygous state in individual(s) with atopic dermatitis (Cascella, 2011; Smieszek, 2020). Based on the available evidence, this alteration is classified as pathogenic.

Literature cited by the submitters: PubMed 31589614 (cited by 3billion); PubMed 21289640 (cited by Ambry Genetics); PubMed 32066784 (cited by Ambry Genetics).